The following is an entry in ClinVar:

ClinVar aggregate classification (germline): Uncertain significance (1 of 4 stars; one submission).

Submission:

Labcorp Genetics (formerly Invitae), Labcorp
Classification: Uncertain significance. Last evaluated: 2025-03-19. Review status: criteria provided, single submitter. Criteria: Invitae Variant Classification Sherloc (09022015). Collection method: clinical testing. Allele origin: germline.
Comment: This sequence change replaces threonine, which is neutral and polar, with isoleucine, which is neutral and non-polar, at codon 104 of the MICAL1 protein (p.Thr104Ile). This variant is not present in population databases (gnomAD no frequency). This variant has not been reported in the literature in individuals affected with MICAL1-related conditions. An algorithm developed to predict the effect of missense changes on protein structure and function (PolyPhen-2) suggests that this variant is likely to be disruptive. In summary, the available evidence is currently insufficient to determine the role of this variant in disease. Therefore, it has been classified as a Variant of Uncertain Significance.

NM_022765.4(MICAL1):c.254C>T (p.Thr85Ile)

Gene: MICAL1 (microtubule associated monooxygenase, calponin and LIM domain containing 1; minus strand). Cytogenetic location: 6q21.
Variant type: single nucleotide variant.
Coding change: c.254C>T on transcript NM_022765.4 (MANE Select); coding-DNA position 254, C replaced by T.
Protein change: p.Thr85Ile; replaces threonine 85 with isoleucine.
Molecular consequence: missense variant.
Genome position (GRCh38, 1-based): chr6:109,453,943, G>A on the plus strand (C>T on the coding strand, the complement: MICAL1 is on the minus strand). VCF-style: chr6-109453943-G-A. GRCh37 (hg19) VCF-style: chr6-109775146-G-A.
Other names: c.254C>T, p.Thr85Ile (NM_001159291.2); c.311C>T, p.Thr104Ile (NM_001286613.2); short protein forms T104I, T85I.
Identifiers: ClinVar variation 4810694 (VCV004810694.1).